The following is an entry in ClinVar:

ClinVar aggregate classification (germline): Likely pathogenic. Review status: criteria provided, single submitter (1 of 4 stars). 2 submissions from 2 submitters: Likely pathogenic (1). 1 of the submissions does not count toward it. Last evaluated 2021-01-12.

Conditions:
Familial long QT syndrome (RWS). Also called: Congenital long QT syndrome; Romano-Ward syndrome; VENTRICULAR FIBRILLATION WITH PROLONGED QT INTERVAL. Identifiers: Orphanet 768, MedGen C1141890, MONDO:0019171.

Submissions (2):

GeneDx
Classification: Likely pathogenic. Last evaluated: 2021-01-12. Review status: criteria provided, single submitter. Criteria: GeneDx Variant Classification Process June 2021. Collection method: clinical testing. Allele origin: germline. Affected: yes.
Comment: Not observed in large population cohorts (Lek et al., 2016); In silico analysis supports that this missense variant has a deleterious effect on protein structure/function; This variant is associated with the following publications: (PMID: 20851114, 19926013, 32778766)

Cardiovascular Biomedical Research Unit, Royal Brompton & Harefield NHS Foundation Trust
No classification provided. Condition: Familial long QT syndrome. Review status: no classification provided. Collection method: literature only. Allele origin: germline. Not counted in ClinVar's aggregate classification.
Comment: This variant has been reported as associated with Long QT syndrome in the following publications (PMID:19926013;PMID:20851114). This is a literature report, and does not necessarily reflect the clinical interpretation of the Imperial College / Royal Brompton Cardiovascular Genetics laboratory.

Literature cited by the submitters: PubMed 19926013 (cited by Cardiovascular Biomedical Research Unit, Royal Brompton & Harefield NHS Foundation Trust); PubMed 20851114 (cited by Cardiovascular Biomedical Research Unit, Royal Brompton & Harefield NHS Foundation Trust); PubMed 22581653 (cited by Cardiovascular Biomedical Research Unit, Royal Brompton & Harefield NHS Foundation Trust).

NM_000238.4(KCNH2):c.92T>C (p.Ile31Thr)

Gene: KCNH2 (potassium voltage-gated channel subfamily H member 2; minus strand). Cytogenetic location: 7q36.1.
Variant type: single nucleotide variant.
Coding change: c.92T>C on transcript NM_000238.4 (MANE Select); coding-DNA position 92, T replaced by C.
Protein change: p.Ile31Thr; replaces isoleucine 31 with threonine.
Molecular consequence: missense variant.
Genome position (GRCh38, 1-based): chr7:150,974,926, A>G on the plus strand (T>C on the coding strand, the complement: KCNH2 is on the minus strand). VCF-style: chr7-150974926-A-G. GRCh37 (hg19) VCF-style: chr7-150672014-A-G.
Other names: p.I31T:ATC>ACC; c.92T>C (LRG_288t1); c.-86T>C (NM_001406755.1); c.92T>C, p.Ile31Thr (NM_172056.3); short protein forms I31T.
Identifiers: ClinVar variation 67545 (VCV000067545.6), dbSNP rs199472833, ClinGen allele CA008995.